The following is an entry in ClinVar:

ClinVar aggregate classification (germline): Uncertain significance (1 of 4 stars; one submission).

Conditions:
Progressive sclerosing poliodystrophy (MTDPS4A). Also called: ALPERS PROGRESSIVE INFANTILE POLIODYSTROPHY; NEURONAL DEGENERATION OF CHILDHOOD WITH LIVER DISEASE, PROGRESSIVE; Mitochondrial DNA Depletion Syndrome 4A; Alpers Syndrome; ALPERS DIFFUSE DEGENERATION OF CEREBRAL GRAY MATTER WITH HEPATIC CIRRHOSIS; Alpers-Huttenlocher Syndrome. Identifiers: Orphanet 726, MedGen C0205710, MONDO:0008758, OMIM 203700.

Submission:

Labcorp Genetics (formerly Invitae), Labcorp
Classification: Uncertain significance for Progressive sclerosing poliodystrophy. Last evaluated: 2025-09-28. Review status: criteria provided, single submitter. Criteria: Invitae Variant Classification Sherloc (09022015). Collection method: clinical testing. Allele origin: germline.
Comment: This sequence change replaces lysine, which is basic and polar, with asparagine, which is neutral and polar, at codon 1060 of the POLG protein (p.Lys1060Asn). This variant is not present in population databases (gnomAD no frequency). This variant has not been reported in the literature in individuals affected with POLG-related conditions. Invitae Evidence Modeling of protein sequence and biophysical properties (such as structural, functional, and spatial information, amino acid conservation, physicochemical variation, residue mobility, and thermodynamic stability) indicates that this missense variant is expected to disrupt POLG protein function with a positive predictive value of 95%. In summary, the available evidence is currently insufficient to determine the role of this variant in disease. Therefore, it has been classified as a Variant of Uncertain Significance.

NM_002693.3(POLG):c.3180G>T (p.Lys1060Asn)

Gene: POLG (DNA polymerase gamma, catalytic subunit; minus strand). Cytogenetic location: 15q26.1.
Variant type: single nucleotide variant.
Coding change: c.3180G>T on transcript NM_002693.3 (MANE Select); coding-DNA position 3180, G replaced by T.
Protein change: p.Lys1060Asn; replaces lysine 1060 with asparagine.
Molecular consequence: missense variant.
Genome position (GRCh38, 1-based): chr15:89,319,024, C>A on the plus strand (G>T on the coding strand, the complement: POLG is on the minus strand). VCF-style: chr15-89319024-C-A. GRCh37 (hg19) VCF-style: chr15-89862255-C-A.
Other names: c.3180G>T, p.Lys1060Asn (NM_001126131.2); short protein forms K1060N.
Identifiers: ClinVar variation 4802412 (VCV004802412.1).
Genomic context (GRCh38, chr15:89,319,024, plus strand): 5'-GCTGATGCAGCAGCCCAGCACCGGGGTACGTGGTATGTCAGACGTAGCAATGCTCTCAAG[C>A]TTATTGAACATTTCTGACTCTGTGCCCCCCTTCCATGCCCGTTCAGCAACCACCTCCCAC-3'
Protein context (NP_002684.1, residues 1050-1070): KGGTESEMFN[Lys1060Asn]LESIATSDIP